The following is an entry in ClinVar:

ClinVar aggregate classification (germline): Uncertain significance (1 of 4 stars; one submission).

Submission:

Labcorp Genetics (formerly Invitae), Labcorp
Classification: Uncertain significance. Last evaluated: 2021-12-16. Review status: criteria provided, single submitter. Criteria: Invitae Variant Classification Sherloc (09022015). Collection method: clinical testing. Allele origin: germline.
Comment: In summary, the available evidence is currently insufficient to determine the role of this variant in disease. Therefore, it has been classified as a Variant of Uncertain Significance. Algorithms developed to predict the effect of missense changes on protein structure and function are either unavailable or do not agree on the potential impact of this missense change (SIFT: "Deleterious"; PolyPhen-2: "Not Available"; Align-GVGD: "Class C65"). This variant has not been reported in the literature in individuals affected with MYO6-related conditions. This variant is not present in population databases (gnomAD no frequency). This sequence change replaces asparagine, which is neutral and polar, with isoleucine, which is neutral and non-polar, at codon 466 of the MYO6 protein (p.Asn466Ile).

NM_004999.4(MYO6):c.1397A>T (p.Asn466Ile)

Gene: MYO6 (myosin VI; plus strand). Cytogenetic location: 6q14.1.
Variant type: single nucleotide variant.
Coding change: c.1397A>T on transcript NM_004999.4 (MANE Select); coding-DNA position 1397, A replaced by T.
Protein change: p.Asn466Ile; replaces asparagine 466 with isoleucine.
Molecular consequence: missense variant. On other transcripts: non-coding transcript variant (1).
Genome position (GRCh38, 1-based): chr6:75,858,917, A>T. VCF-style: chr6-75858917-A-T. GRCh37 (hg19) VCF-style: chr6-76568634-A-T.
Other names: c.1397A>T, p.Asn466Ile (NM_001300899.2, NM_001368136.1, NM_001368137.1 and 2 more transcripts); c.1382A>T, p.Asn461Ile (NM_001368138.1); short protein forms N461I, N466I.
Identifiers: ClinVar variation 2044208 (VCV002044208.4), dbSNP rs2535281326, ClinGen allele CA364760450.